The following is an entry in ClinVar:

ClinVar aggregate classification (germline): Likely benign (0 of 4 stars; one submission).

Conditions:
PLXNA4-related disorder. Also called: PLXNA4-related condition.

Allele frequency attached by ClinVar (database versions not stated): gnomAD 0.00005; ExAC 0.00007; TOPMed 0.00009; ESP Exome Variant Server 0.00025.
gnomAD v4.1: 269 of 1,613,680 alleles (0.017%); highest among the groups gnomAD compares: Non-Finnish European, 0.022%; no homozygotes.

Submission:

PreventionGenetics, part of Exact Sciences
Classification: Likely benign for PLXNA4-related condition. Last evaluated: 2023-10-26. Review status: no assertion criteria provided. Collection method: clinical testing. Allele origin: germline.
Comment: This variant is classified as likely benign based on ACMG/AMP sequence variant interpretation guidelines (Richards et al. 2015 PMID: 25741868, with internal and published modifications).

NM_020911.2(PLXNA4):c.1728+9C>T

Gene: PLXNA4 (plexin A4; minus strand). Cytogenetic location: 7q32.3.
Variant type: single nucleotide variant.
Coding change: c.1728+9C>T on transcript NM_020911.2 (MANE Select); 9 bases into the intron after coding-DNA position 1728, C replaced by T.
Molecular consequence: intron variant.
Genome position (GRCh38, 1-based): chr7:132,228,337, G>A on the plus strand (C>T on the coding strand, the complement: PLXNA4 is on the minus strand). VCF-style: chr7-132228337-G-A. GRCh37 (hg19) VCF-style: chr7-131913096-G-A.
Other names: c.1728+9C>T (NM_001393897.1).
Identifiers: ClinVar variation 3035945 (VCV003035945.2), dbSNP rs368261983, ClinGen allele CA4490040.
Genomic context (GRCh38, chr7:132,228,337, plus strand): 5'-GGCACTTTTTAGTGAGGGGAGAGTTTTCCTTGCATCCCTGGACCCCACCCCAACCCCCAC[G>A]ACCCTTACCAGCACGTTGTACTGAGAGACGGAGATATTGTTGGGATGGACCGTCAGCCGG-3'